The following is an entry in ClinVar:

ClinVar aggregate classification (germline): Conflicting classifications of pathogenicity. Review status: criteria provided, conflicting classifications (1 of 4 stars). 5 submissions from 5 submitters: Uncertain significance (1); Benign (1); Likely benign (3). Last evaluated 2026-04-24.

Conditions:
ATP6V1B1-related disorder. Also called: ATP6V1B1-related condition.
Renal tubular acidosis with progressive nerve deafness. Also called: Distal Renal Tubular Acidosis with Progressive Sensorineural Deafness; renal tubular acidosis, distal, 2, with progressive sensorineural hearing loss; RENAL TUBULAR ACIDOSIS, AUTOSOMAL RECESSIVE, WITH PROGRESSIVE NERVE DEAFNESS; RTA WITH PROGRESSIVE NERVE DEAFNESS. Identifiers: MedGen C0403554, MONDO:0009968, OMIM 267300.

Allele frequency attached by ClinVar (database versions not stated): gnomAD exomes 0.00005 and 0.00015; ExAC 0.00020; ESP Exome Variant Server 0.00054; gnomAD 0.00066 and 0.00070; TOPMed 0.00071; 1000 Genomes Project 0.00080; 1000 Genomes Project 30x 0.00094.
gnomAD v4.1: 176 of 1,614,144 alleles (0.011%); highest among the groups gnomAD compares: African/African-American, 0.21%; no homozygotes.

Submissions (5):

PreventionGenetics, part of Exact Sciences
Classification: Likely benign for ATP6V1B1-related condition. Last evaluated: 2026-04-24. Review status: criteria provided, single submitter. Criteria: ACMG Guidelines, 2015. Collection method: clinical testing. Allele origin: germline.
Comment: This variant is classified as likely benign based on ACMG/AMP sequence variant interpretation guidelines (Richards et al. 2015 PMID: 25741868, with internal and published modifications).

Labcorp Genetics (formerly Invitae), Labcorp
Classification: Benign. Last evaluated: 2026-01-26. Review status: criteria provided, single submitter. Criteria: Invitae Variant Classification Sherloc (09022015). Collection method: clinical testing. Allele origin: germline.

GeneDx
Classification: Likely benign. Last evaluated: 2021-01-07. Review status: criteria provided, single submitter. Criteria: GeneDx Variant Classification Process June 2021. Collection method: clinical testing. Allele origin: germline. Affected: yes.

Illumina Laboratory Services, Illumina
Classification: Uncertain significance for Renal tubular acidosis with progressive nerve deafness. Last evaluated: 2018-01-12. Review status: criteria provided, single submitter. Criteria: ICSL Variant Classification Criteria 13 December 2019. Collection method: clinical testing. Allele origin: germline.

Laboratory for Molecular Medicine, Mass General Brigham Personalized Medicine
Classification: Likely benign. Last evaluated: 2015-10-22. Review status: criteria provided, single submitter. Criteria: LMM Criteria. Collection method: clinical testing. Allele origin: germline. Observed: 4 variant alleles.
Comment: c.688-7T>C in intron 5 of ATP6V1B1: This variant is not expected to have clinica l significance because it does not diverge from the splice consensus sequence an d computational tools do not predict an impact to splicing. It has been identifi ed in 0.2% (24/10404) of African chromosomes by the Exome Aggregation Consortium (ExAC; dbSNP rs193240706).

NM_001692.4(ATP6V1B1):c.688-7T>C

Gene: ATP6V1B1 (ATPase H+ transporting V1 subunit B1; plus strand). Cytogenetic location: 2p13.3.
Variant type: single nucleotide variant.
Coding change: c.688-7T>C on transcript NM_001692.4 (MANE Select); 7 bases into the intron before coding-DNA position 688, T replaced by C.
Molecular consequence: intron variant.
Genome position (GRCh38, 1-based): chr2:70,961,589, T>C. VCF-style: chr2-70961589-T-C. GRCh37 (hg19) VCF-style: chr2-71188719-T-C.
Identifiers: ClinVar variation 162763 (VCV000162763.21), dbSNP rs193240706, ClinGen allele CA175274.